The following is an entry in ClinVar:

NM_178040.4(ERC1):c.1026C>T (p.His342=)

Gene: ERC1 (ELKS/RAB6-interacting/CAST family member 1; plus strand). Cytogenetic location: 12p13.33.
Variant type: single nucleotide variant.
Coding change: c.1026C>T on transcript NM_178040.4 (MANE Select); coding-DNA position 1026, C replaced by T.
Protein change: p.His342=; no amino-acid change (histidine 342 retained).
Molecular consequence: synonymous variant. On other transcripts: non-coding transcript variant (2).
Genome position (GRCh38, 1-based): chr12:1,083,520, C>T. VCF-style: chr12-1083520-C-T. GRCh37 (hg19) VCF-style: chr12-1192686-C-T.
Other names: c.1026C>T, p.His342= (NM_001301248.1, NM_015064.2, NM_178037.1 and 1 more transcripts).
Identifiers: ClinVar variation 3047384 (VCV003047384.2), dbSNP rs187560506, ClinGen allele CA6384349.
Genomic context (GRCh38, chr12:1,083,520, plus strand): 5'-TGCCAAGGCTACCGAGGAAGACCATGAGAGAACAAGACGACTGGCAGAGGCAGAGATGCA[C>T]GTTCATCACCTAGAAAGCCTTTTGGAGCAGAAGGAAAAAGAGAACAGTATGTTGAGAGAG-3'
Protein context (NP_829884.1, residues 332-352): RTRRLAEAEM[His342=]VHHLESLLEQ

ClinVar aggregate classification (germline): Likely benign (0 of 4 stars; one submission).

Conditions:
ERC1-related disorder. Also called: ERC1-related condition.

Allele frequency attached by ClinVar (database versions not stated): gnomAD exomes 0.00004; ExAC 0.00006; gnomAD 0.00032; TOPMed 0.00067; 1000 Genomes Project 30x 0.00078; 1000 Genomes Project 0.00080.
gnomAD v4.1: 120 of 1,613,362 alleles (0.0074%); highest among the groups gnomAD compares: Admixed American, 0.11%; 1 homozygote.

Submission:

PreventionGenetics, part of Exact Sciences
Classification: Likely benign for ERC1-related condition. Last evaluated: 2019-02-25. Review status: no assertion criteria provided. Collection method: clinical testing. Allele origin: germline.
Comment: This variant is classified as likely benign based on ACMG/AMP sequence variant interpretation guidelines (Richards et al. 2015 PMID: 25741868, with internal and published modifications).